The following is an entry in ClinVar:

ClinVar aggregate classification (germline): Uncertain significance (1 of 4 stars; one submission).

Conditions:
Hereditary cancer-predisposing syndrome. Also called: Neoplastic Syndromes, Hereditary; Hereditary Cancer Syndrome; Hereditary neoplastic syndrome; Tumor predisposition. Identifiers: Orphanet 140162, MedGen C0027672, MeSH D009386, MONDO:0015356.

Allele frequency attached by ClinVar (database versions not stated): gnomAD exomes below 0.00001.
gnomAD v4.1: 1 of 1,614,030 alleles (0.000062%); highest among the groups gnomAD compares: Non-Finnish European, 0.000085%; no homozygotes.

Submission:

Ambry Genetics
Classification: Uncertain significance for Hereditary cancer-predisposing syndrome. Last evaluated: 2023-05-05. Review status: criteria provided, single submitter. Criteria: Ambry Variant Classification Scheme 2023. Collection method: clinical testing. Allele origin: germline.
Comment: The p.M454T variant (also known as c.1361T>C), located in coding exon 12 of the MRE11A gene, results from a T to C substitution at nucleotide position 1361. The methionine at codon 454 is replaced by threonine, an amino acid with similar properties. This amino acid position is conserved. In addition, this alteration is predicted to be deleterious by in silico analysis. Since supporting evidence is limited at this time, the clinical significance of this alteration remains unclear.

NM_005591.4(MRE11):c.1361T>C (p.Met454Thr)

Gene: MRE11 (MRE11 double strand break repair nuclease; minus strand). Cytogenetic location: 11q21.
Variant type: single nucleotide variant.
Coding change: c.1361T>C on transcript NM_005591.4 (MANE Select); coding-DNA position 1361, T replaced by C.
Protein change: p.Met454Thr; replaces methionine 454 with threonine.
Molecular consequence: missense variant.
Genome position (GRCh38, 1-based): chr11:94,459,547, A>G on the plus strand (T>C on the coding strand, the complement: MRE11 is on the minus strand). VCF-style: chr11-94459547-A-G. GRCh37 (hg19) VCF-style: chr11-94192713-A-G.
Other names: c.1361T>C, p.Met454Thr (NM_001330347.2, NM_005590.4); short protein forms M454T.
Identifiers: ClinVar variation 2565907 (VCV002565907.2), dbSNP rs2496387274, ClinGen allele CA382371996.